The following is an entry in ClinVar:

NM_001378969.1(KCND3):c.1013T>A (p.Val338Glu)

Gene: KCND3 (potassium voltage-gated channel subfamily D member 3; minus strand). Cytogenetic location: 1p13.2.
Variant type: single nucleotide variant.
Coding change: c.1013T>A on transcript NM_001378969.1 (MANE Select); coding-DNA position 1013, T replaced by A.
Protein change: p.Val338Glu; replaces valine 338 with glutamic acid.
Molecular consequence: missense variant.
Genome position (GRCh38, 1-based): chr1:111,981,714, A>T on the plus strand (T>A on the coding strand, the complement: KCND3 is on the minus strand). VCF-style: chr1-111981714-A-T. GRCh37 (hg19) VCF-style: chr1-112524336-A-T.
Other names: c.1013T>A, p.Val338Glu (NM_001378970.1, NM_004980.5, NM_172198.3); short protein forms V338E.
Identifiers: ClinVar variation 626317 (VCV000626317.2), dbSNP rs1571939827, ClinGen allele CA341820797.

ClinVar aggregate classification (germline): Pathogenic (1 of 4 stars; one submission).

Conditions:
Spinocerebellar ataxia type 19/22 (SCA19). Also called: SPINOCEREBELLAR ATAXIA 22; SPINOCEREBELLAR ATAXIA 19. Identifiers: Orphanet 98772, MedGen C1846367, MONDO:0011819, OMIM 607346.

Allele frequency attached by ClinVar (database versions not stated): gnomAD exomes below 0.00001.
gnomAD v4.1: 1 of 1,614,132 alleles (0.000062%); highest among the groups gnomAD compares: East Asian, 0.0022%; no homozygotes.

Submission:

Taipei Veterans General Hospital, Neurological Institute
Classification: Pathogenic for Spinocerebellar ataxia type 19/22. Last evaluated: 2019-04-20. Review status: criteria provided, single submitter. Criteria: ACMG Guidelines, 2015. Collection method: clinical testing, in vitro. Allele origin: germline. Inheritance: Autosomal dominant inheritance. Affected: yes. Observed: 1 variant allele. Segregation with disease observed.
Comment: SCA19/22-associated mutation

dominant-negtaive effect on biosynthesis and biophysical properties of wild-type protein